The following is an entry in ClinVar:

ClinVar aggregate classification (germline): Uncertain significance. Review status: criteria provided, multiple submitters, no conflicts (2 of 4 stars). 2 submissions from 2 submitters: Uncertain significance (2). Last evaluated 2023-03-21.

Conditions:
Inborn genetic diseases. Identifiers: MedGen C0950123, MeSH D030342.

Allele frequency attached by ClinVar (database versions not stated): gnomAD exomes below 0.00001.

Submissions (2):

Ambry Genetics
Classification: Uncertain significance for Inborn genetic diseases. Last evaluated: 2023-03-21. Review status: criteria provided, single submitter. Criteria: Ambry Variant Classification Scheme 2023. Collection method: clinical testing. Allele origin: germline.

GeneDx
Classification: Uncertain significance. Last evaluated: 2022-06-15. Review status: criteria provided, single submitter. Criteria: GeneDx Variant Classification Process June 2021. Collection method: clinical testing. Allele origin: germline. Affected: yes.
Comment: Not observed at significant frequency in large population cohorts (gnomAD); In silico analysis supports that this missense variant does not alter protein structure/function; Has not been previously published as pathogenic or benign to our knowledge

NM_000435.3(NOTCH3):c.2542C>G (p.Gln848Glu)

Gene: NOTCH3 (notch receptor 3; minus strand). Cytogenetic location: 19p13.12.
Variant type: single nucleotide variant.
Coding change: c.2542C>G on transcript NM_000435.3 (MANE Select); coding-DNA position 2542, C replaced by G.
Protein change: p.Gln848Glu; replaces glutamine 848 with glutamic acid.
Molecular consequence: missense variant.
Genome position (GRCh38, 1-based): chr19:15,184,319, G>C on the plus strand (C>G on the coding strand, the complement: NOTCH3 is on the minus strand). VCF-style: chr19-15184319-G-C. GRCh37 (hg19) VCF-style: chr19-15295130-G-C.
Other names: short protein forms Q848E.
Identifiers: ClinVar variation 1804337 (VCV001804337.3), dbSNP rs2512651543, ClinGen allele CA404519137.